The following is an entry in ClinVar:

ClinVar aggregate classification (germline): Uncertain significance (1 of 4 stars; one submission).

Conditions:
H4C9-related condition.

gnomAD v4.1: 1 of 1,614,246 alleles (0.000062%); highest among the groups gnomAD compares: Non-Finnish European, 0.000085%; no homozygotes.

Submission:

PreventionGenetics, part of Exact Sciences
Classification: Uncertain significance for H4C9-related condition. Last evaluated: 2025-10-27. Review status: criteria provided, single submitter. Criteria: ACMG Guidelines, 2015. Collection method: clinical testing. Allele origin: germline.
Comment: The H4C9 c.100G>A variant is predicted to result in the amino acid substitution p.Ala34Thr. This variant has been reported in an individual with schizophrenia (Table S1, reported as HIST1H4I, Fromer et al. 2014. PubMed ID: 24463507). This variant has not been reported in a large population database (gnomAD), indicating this variant is rare. At this time, the clinical significance of this variant is uncertain due to the absence of conclusive functional and genetic evidence.

NM_003495.3(H4C9):c.100G>A (p.Ala34Thr)

Genes: H2BC12 (H2B clustered histone 12; minus strand), H4C9 (H4 clustered histone 9; plus strand). Cytogenetic location: 6p22.1.
Variant type: single nucleotide variant.
Coding change: c.100G>A on transcript NM_003495.3 (MANE Select); coding-DNA position 100, G replaced by A.
Protein change: p.Ala34Thr; replaces alanine 34 with threonine.
Molecular consequence: missense variant. On other transcripts: intron variant (1).
Genome position (GRCh38, 1-based): chr6:27,139,408, G>A. VCF-style: chr6-27139408-G-A. GRCh37 (hg19) VCF-style: chr6-27107187-G-A.
Other names: c.*10-727C>T (NM_080593.2); short protein forms A34T.
Identifiers: ClinVar variation 4996181 (VCV004996181.1).